The following is an entry in ClinVar:

ClinVar aggregate classification (germline): Pathogenic/Likely pathogenic. Review status: criteria provided, multiple submitters, no conflicts (2 of 4 stars). 2 submissions from 2 submitters: Pathogenic (1); Likely pathogenic (1). Last evaluated 2024-02-24.

Conditions:
Hereditary spastic paraplegia 7 (SPG7). Also called: Autosomal recessive spastic paraplegia type 7; SPG7-related neurologic disorder; SPASTIC PARAPLEGIA 7, AUTOSOMAL RECESSIVE, WITH OR WITHOUT CEREBELLAR ATAXIA; Spastic paraplegia 7; Hereditary spastic paraplegia Paraplegin type. Identifiers: Orphanet 99013, MedGen C1846564, MONDO:0011803, OMIM 607259.

Allele frequency attached by ClinVar (database versions not stated): gnomAD exomes below 0.00001; gnomAD 0.00001.
gnomAD v4.1: 2 of 1,613,922 alleles (0.00012%); highest among the groups gnomAD compares: African/African-American, 0.0013%; no homozygotes.

Submissions (2):

Labcorp Genetics (formerly Invitae), Labcorp
Classification: Pathogenic for Hereditary spastic paraplegia 7. Last evaluated: 2024-02-24. Review status: criteria provided, single submitter. Criteria: Invitae Variant Classification Sherloc (09022015). Collection method: clinical testing. Allele origin: germline.
Comment: This sequence change creates a premature translational stop signal (p.Gln568*) in the SPG7 gene. It is expected to result in an absent or disrupted protein product. Loss-of-function variants in SPG7 are known to be pathogenic (PMID: 21623769, 22964162). This variant is not present in population databases (gnomAD no frequency). This variant has not been reported in the literature in individuals affected with SPG7-related conditions. ClinVar contains an entry for this variant (Variation ID: 1454976). For these reasons, this variant has been classified as Pathogenic.

PROSPAX: an integrated multimodal progression  chart in spastic ataxias, Center for Neurology; Hertie-Institute for Clinical Brain Research
Classification: Likely pathogenic for Hereditary spastic paraplegia 7. Last evaluated: 2022-01-01. Review status: criteria provided, single submitter. Criteria: ACMG Guidelines, 2015. Collection method: research. Allele origin: germline. Affected: yes.
Comment: Variant seen in compound het: [c.1702C>T;c.1045G>A]

Literature cited by the submitters: PubMed 21623769 (cited by Labcorp Genetics (formerly Invitae), Labcorp); PubMed 22964162 (cited by Labcorp Genetics (formerly Invitae), Labcorp).

NM_003119.4(SPG7):c.1702C>T (p.Gln568Ter)

Gene: SPG7 (SPG7 matrix AAA peptidase subunit, paraplegin; plus strand). Cytogenetic location: 16q24.3.
Variant type: single nucleotide variant.
Coding change: c.1702C>T on transcript NM_003119.4 (MANE Select); coding-DNA position 1702, C replaced by T.
Protein change: p.Gln568Ter; replaces glutamine 568 with a stop codon.
Molecular consequence: nonsense.
Genome position (GRCh38, 1-based): chr16:89,550,532, C>T. VCF-style: chr16-89550532-C-T. GRCh37 (hg19) VCF-style: chr16-89616940-C-T.
Other names: c.1702C>T, p.Gln568Ter (NM_001363850.1); c.1702C>T (NM_003119.2); short protein forms Q568*.
Identifiers: ClinVar variation 1454976 (VCV001454976.7), dbSNP rs946925151, ClinGen allele CA397430845.